The following is an entry in ClinVar:

NM_006258.4(PRKG1):c.980C>A (p.Thr327Asn)

Gene: PRKG1 (protein kinase cGMP-dependent 1; plus strand). Cytogenetic location: 10q21.1.
Variant type: single nucleotide variant.
Coding change: c.980C>A on transcript NM_006258.4 (MANE Select); coding-DNA position 980, C replaced by A.
Protein change: p.Thr327Asn; replaces threonine 327 with asparagine.
Molecular consequence: missense variant.
Genome position (GRCh38, 1-based): chr10:52,133,884, C>A. VCF-style: chr10-52133884-C-A. GRCh37 (hg19) VCF-style: chr10-53893644-C-A.
Other names: c.935C>A, p.Thr312Asn (LRG_1135t2, NM_001098512.3); c.980C>A, p.Thr327Asn (LRG_1135t1); short protein forms T312N, T327N.
Identifiers: ClinVar variation 520129 (VCV000520129.15), dbSNP rs138485549, ClinGen allele CA5503707.
Genomic context (GRCh38, chr10:52,133,884, plus strand): 5'-TCTATTTTTCACATAGGGAAGATGTGAGAACAGCAAACGTAATTGCTGCAGAAGCTGTAA[C>A]CTGCCTTGTGATTGACAGAGAGTAAGTACATTGTTTTATTATGTGAATTACACACTCATA-3'
Protein context (NP_006249.1, residues 317-337): TANVIAAEAV[Thr327Asn]CLVIDRDSFK

ClinVar aggregate classification (germline): Uncertain significance. Review status: criteria provided, multiple submitters, no conflicts (2 of 4 stars). 4 submissions from 4 submitters: Uncertain significance (4). Last evaluated 2025-04-11.

Conditions:
Aortic aneurysm, familial thoracic 8 (AAT8). Identifiers: MedGen C3809513, MONDO:0014187, OMIM 615436.
Familial thoracic aortic aneurysm and aortic dissection (TAAD). Also called: Thoracic aortic aneurysms and dissections. Identifiers: Orphanet 91387, MedGen C4707243, MONDO:0019625.

Allele frequency attached by ClinVar (database versions not stated): ExAC 0.00005; gnomAD 0.00007 and 0.00008; TOPMed 0.00009; ESP Exome Variant Server 0.00015.
gnomAD v4.1: 131 of 1,612,908 alleles (0.0081%); highest among the groups gnomAD compares: Middle Eastern, 0.033%; no homozygotes.

Submissions (4):

Labcorp Genetics (formerly Invitae), Labcorp
Classification: Uncertain significance for Aortic aneurysm, familial thoracic 8. Last evaluated: 2025-04-11. Review status: criteria provided, single submitter. Criteria: Invitae Variant Classification Sherloc (09022015). Collection method: clinical testing. Allele origin: germline.
Comment: This sequence change replaces threonine, which is neutral and polar, with asparagine, which is neutral and polar, at codon 327 of the PRKG1 protein (p.Thr327Asn). This variant is present in population databases (rs138485549, gnomAD 0.02%). This variant has not been reported in the literature in individuals affected with PRKG1-related conditions. ClinVar contains an entry for this variant (Variation ID: 520129). An algorithm developed to predict the effect of missense changes on protein structure and function (PolyPhen-2) suggests that this variant is likely to be tolerated. In summary, the available evidence is currently insufficient to determine the role of this variant in disease. Therefore, it has been classified as a Variant of Uncertain Significance.

Ambry Genetics
Classification: Uncertain significance for Familial thoracic aortic aneurysm and aortic dissection. Last evaluated: 2024-11-15. Review status: criteria provided, single submitter. Criteria: Ambry Variant Classification Scheme 2023. Collection method: clinical testing. Allele origin: germline.
Comment: The p.T327N variant (also known as c.980C>A), located in coding exon 8 of the PRKG1 gene, results from a C to A substitution at nucleotide position 980. The threonine at codon 327 is replaced by asparagine, an amino acid with similar properties. This amino acid position is highly conserved in available vertebrate species. In addition, the in silico prediction for this alteration is inconclusive. Since supporting evidence is limited at this time, the clinical significance of this alteration remains unclear.

GeneDx
Classification: Uncertain significance. Last evaluated: 2023-02-27. Review status: criteria provided, single submitter. Criteria: GeneDx Variant Classification Process June 2021. Collection method: clinical testing. Allele origin: germline. Affected: yes.
Comment: Has not been previously published as pathogenic or benign to our knowledge; In silico analysis supports that this missense variant does not alter protein structure/function

CHEO Genetics Diagnostic Laboratory, Children's Hospital of Eastern Ontario
Classification: Uncertain significance for Familial thoracic aortic aneurysm and aortic dissection. Last evaluated: 2023-02-16. Review status: criteria provided, single submitter. Criteria: ACMG Guidelines, 2015. Collection method: clinical testing. Allele origin: germline.